The following is an entry in ClinVar:

ClinVar aggregate classification (germline): Conflicting classifications of pathogenicity. Review status: criteria provided, conflicting classifications (1 of 4 stars). 2 submissions from 2 submitters: Uncertain significance (1); Likely benign (1). Last evaluated 2026-04-15.

Conditions:
Achromatopsia 3 (ACHM3). Also called: ACHROMATOPSIA WITH MYOPIA; PINGELAPESE BLINDNESS; TOTAL COLORBLINDNESS WITH MYOPIA; ROD MONOCHROMACY 1; ROD MONOCHROMATISM 1. Identifiers: Orphanet 49382, MedGen C1849792, MONDO:0009875, OMIM 262300.

Submissions (2):

Myriad Genetics, Inc.
Classification: Uncertain significance for Achromatopsia 3. Last evaluated: 2026-04-15. Review status: criteria provided, single submitter. Criteria: Myriad Autosomal Dominant, Autosomal Recessive and X-Linked Classification Criteria (2023). Collection method: clinical testing. Allele origin: unknown.
Comment: NM_019098.4(CNGB3):c.2224A>T(K742*) is a nonsense variant classified as a variant of uncertain significance in the context of achromatopsia, CNGB3-related. K742* has not been observed in cases with relevant disease. Relevant functional assessments of this variant are not available in the literature. K742* has not been observed in referenced population frequency databases. In summary, there is insufficient evidence to classify NM_019098.4(CNGB3):c.2224A>T(K742*) as pathogenic or benign. Please note: this variant was assessed in the context of healthy population screening.

Labcorp Genetics (formerly Invitae), Labcorp
Classification: Likely benign. Last evaluated: 2023-08-21. Review status: criteria provided, single submitter. Criteria: Invitae Variant Classification Sherloc (09022015). Collection method: clinical testing. Allele origin: germline.

NM_019098.5(CNGB3):c.2224A>T (p.Lys742Ter)

Gene: CNGB3 (cyclic nucleotide gated channel subunit beta 3; minus strand). Cytogenetic location: 8q21.3.
Variant type: single nucleotide variant.
Coding change: c.2224A>T on transcript NM_019098.5 (MANE Select); coding-DNA position 2224, A replaced by T.
Protein change: p.Lys742Ter; replaces lysine 742 with a stop codon.
Molecular consequence: nonsense.
Genome position (GRCh38, 1-based): chr8:86,576,010, T>A on the plus strand (A>T on the coding strand, the complement: CNGB3 is on the minus strand). VCF-style: chr8-86576010-T-A. GRCh37 (hg19) VCF-style: chr8-87588238-T-A.
Other names: short protein forms K742*.
Identifiers: ClinVar variation 1041065 (VCV001041065.9), dbSNP rs765995385, ClinGen allele CA371446385.